The following is an entry in ClinVar:

NM_000901.5(NR3C2):c.2532del (p.Met845fs)

Gene: NR3C2 (nuclear receptor subfamily 3 group C member 2; minus strand). Cytogenetic location: 4q31.23.
Variant type: Deletion.
Coding change: c.2532del on transcript NM_000901.5 (MANE Select); coding-DNA position 2532, one base deleted (C; older notation c.2532delC).
Protein change: p.Met845fs; shifts the reading frame from methionine 845.
Molecular consequence: frameshift variant. On other transcripts: non-coding transcript variant (1).
Genome position (GRCh38, 1-based): chr4:148,120,267, G deleted on the plus strand (C on the coding strand, the reverse complement: NR3C2 is on the minus strand); the first of 2 consecutive G bases (chr4:148,120,267-148,120,268); deleting either gives the same sequence. VCF-style (leftmost placement, unchanged base first): chr4-148120266-TG-T. GRCh37 (hg19) VCF-style: chr4-149041417-TG-T.
Other names: c.2181del, p.Met728fs (NM_001166104.2, NM_001354819.1); short protein forms M728fs, M845fs.
Identifiers: ClinVar variation 3906996 (VCV003906996.1).
Genomic context (GRCh38, chr4:148,120,266, plus strand): 5'-TGAGCTGCAGTCGAACGAACTGAAGGCTGATTTGGTGCATCCCCTGGCATAGTTCATACA[TG>T]GCAGACTGATGCATCTTCTCTCTGCAAAGGAAAAGAAGAAAATGTCTGAGAATGCAAGAT-3'

ClinVar aggregate classification (germline): Pathogenic (1 of 4 stars; one submission).

Conditions:
Autosomal dominant pseudohypoaldosteronism type 1. Also called: Pseudohypoaldosteronism, Type I, Autosomal Dominant; PHA I, AUTOSOMAL DOMINANT; Pseudohypoaldosteronism, Type I, Dominant. Identifiers: Orphanet 171871, Orphanet 756, MedGen C1449842, MONDO:0008329, OMIM 177735.

Submission:

Suma Genomics
Classification: Pathogenic for Autosomal dominant pseudohypoaldosteronism type 1. Review status: criteria provided, single submitter. Criteria: ACMG Guidelines, 2015. Collection method: clinical testing. Allele origin: de novo. Inheritance: Autosomal dominant inheritance. Affected: yes. Observed: 1 heterozygote.
Comment: This variant is not observed in the gnomAD database. ACMG classification: Pathogenic Criteria met: PVS1: Null variant in a gene where loss of function is a known mechanism of disease. PM2_Supporting: Extremely low frequency in gnomAD population databases PM6: De novo in a patient with phenotype consistency, no family history and both maternity and paternity are assumed.